The following is an entry in ClinVar:

NM_000202.8(IDS):c.418+6_418+7del

Gene: IDS (iduronate 2-sulfatase; minus strand). Cytogenetic location: Xq28.
Variant type: Deletion.
Coding change: c.418+6_418+7del on transcript NM_000202.8 (MANE Select); bases 6 to 7 of the intron after coding-DNA position 418, 2 bases deleted (GC; older notation c.418+6_418+7delGC).
Molecular consequence: intron variant.
Genome position (GRCh38, 1-based): chrX:149,503,305-149,503,306, GC deleted on the plus strand (GC on the coding strand, the reverse complement: IDS is on the minus strand). VCF-style (leftmost placement, unchanged base first): chrX-149503304-AGC-A. GRCh37 (hg19) VCF-style: chrX-148584834-AGC-A.
Other names: c.148+6_148+7del (NM_001166550.4); c.418+6_418+7del (NM_006123.5).
Identifiers: ClinVar variation 2986721 (VCV002986721.3), dbSNP rs2520894952, ClinGen allele CA2740090143.

ClinVar aggregate classification (germline): Uncertain significance (1 of 4 stars; one submission).

Conditions:
Mucopolysaccharidosis, MPS-II (MPS2). Also called: Attenuated MPS (subtype; formerly known as mild MPS II); Severe MPS II; I2S deficiency; MPS 2; Hunter Syndrome; IDURONATE 2-SULFATASE DEFICIENCY. Identifiers: Orphanet 580, Orphanet 79388, MedGen C0026705, MONDO:0010674, OMIM 309900.

Submission:

Labcorp Genetics (formerly Invitae), Labcorp
Classification: Uncertain significance for Mucopolysaccharidosis, MPS-II. Last evaluated: 2025-06-17. Review status: criteria provided, single submitter. Criteria: Invitae Variant Classification Sherloc (09022015). Collection method: clinical testing. Allele origin: germline.
Comment: This sequence change falls in intron 3 of the IDS gene. It does not directly change the encoded amino acid sequence of the IDS protein. It affects a nucleotide within the consensus splice site. This variant is not present in population databases (gnomAD no frequency). This variant has not been reported in the literature in individuals affected with IDS-related conditions. ClinVar contains an entry for this variant (Variation ID: 2986721). Variants that disrupt the consensus splice site are a relatively common cause of aberrant splicing (PMID: 17576681, 9536098). Algorithms developed to predict the effect of sequence changes on RNA splicing suggest that this variant is not likely to affect RNA splicing. In summary, the available evidence is currently insufficient to determine the role of this variant in disease. Therefore, it has been classified as a Variant of Uncertain Significance.

Literature cited by the submitters: PubMed 17576681; PubMed 9536098.